The following is an entry in ClinVar:

NM_152743.4(BRAT1):c.1290C>T (p.Leu430=)

Gene: BRAT1 (BRCA1 associated ATM activator 1; minus strand). Cytogenetic location: 7p22.3.
Variant type: single nucleotide variant.
Coding change: c.1290C>T on transcript NM_152743.4 (MANE Select); coding-DNA position 1290, C replaced by T.
Protein change: p.Leu430=; no amino-acid change (leucine 430 retained).
Molecular consequence: synonymous variant. On other transcripts: non-coding transcript variant (1).
Genome position (GRCh38, 1-based): chr7:2,541,329, G>A on the plus strand (C>T on the coding strand, the complement: BRAT1 is on the minus strand). VCF-style: chr7-2541329-G-A. GRCh37 (hg19) VCF-style: chr7-2580963-G-A.
Other names: c.1290C>T, p.Leu430= (NM_001350626.2); c.765C>T, p.Leu255= (NM_001350627.2).
Identifiers: ClinVar variation 540187 (VCV000540187.30), dbSNP rs768272447, ClinGen allele CA4127848.

ClinVar aggregate classification (germline): Likely benign. Review status: criteria provided, multiple submitters, no conflicts (2 of 4 stars). 4 submissions from 4 submitters: Likely benign (4). Last evaluated 2024-11-26.

Conditions:
Neonatal-onset encephalopathy with rigidity and seizures. Also called: Lethal neonatal spasticity-epileptic encephalopathy syndrome. Identifiers: Orphanet 435845, MedGen C3281029, MONDO:0013784, OMIM 614498.

Allele frequency attached by ClinVar (database versions not stated): gnomAD below 0.00001 and 0.00002; TOPMed 0.00003.

Submissions (4):

Labcorp Genetics (formerly Invitae), Labcorp
Classification: Likely benign for Neonatal-onset encephalopathy with rigidity and seizures. Last evaluated: 2024-11-26. Review status: criteria provided, single submitter. Criteria: Invitae Variant Classification Sherloc (09022015). Collection method: clinical testing. Allele origin: germline.

Blueprint Genetics
Classification: Likely benign. Last evaluated: 2024-06-25. Review status: criteria provided, single submitter. Criteria: ACMG Guidelines, 2015. Collection method: clinical testing. Allele origin: germline.

CeGaT Center for Human Genetics Tuebingen
Classification: Likely benign. Last evaluated: 2024-04-01. Review status: criteria provided, single submitter. Criteria: CeGaT Center For Human Genetics Tuebingen Variant Classification Criteria Version 2. Collection method: clinical testing. Allele origin: germline. Affected: yes. Observed: 1 variant allele.
Comment: BRAT1: BP4, BP7

Breakthrough Genomics
Classification: Likely benign. Review status: criteria provided, single submitter. Criteria: ACMG Guidelines, 2015. Collection method: not provided. Allele origin: germline. Inheritance: Autosomal recessive inheritance. Affected: yes.